The following is an entry in ClinVar:

ClinVar aggregate classification (germline): Uncertain significance. Review status: criteria provided, multiple submitters, no conflicts (2 of 4 stars). 3 submissions from 3 submitters: Uncertain significance (3). Last evaluated 2026-07-20.

Conditions:
Dilated cardiomyopathy 1DD (CMD1DD). Identifiers: Orphanet 154, MedGen C2750995, MONDO:0013168, OMIM 613172.
Cardiovascular phenotype. Identifiers: MedGen CN230736.

Allele frequency attached by ClinVar (database versions not stated): gnomAD exomes below 0.00001.
gnomAD v4.1: 3 of 1,551,492 alleles (0.00019%); highest among the groups gnomAD compares: South Asian, 0.0024%; no homozygotes.

Submissions (3):

Ambry Genetics
Classification: Uncertain significance for Cardiovascular phenotype. Last evaluated: 2026-07-20. Review status: criteria provided, single submitter. Criteria: Ambry Variant Classification Scheme 2023. Collection method: clinical testing. Allele origin: germline.
Comment: The p.A608V variant (also known as c.1823C>T), located in coding exon 8 of the RBM20 gene, results from a C to T substitution at nucleotide position 1823. The alanine at codon 608 is replaced by valine, an amino acid with similar properties. This amino acid position is well conserved in available vertebrate species. In addition, the in silico prediction for this alteration is inconclusive. Based on the available evidence, the clinical significance of this variant remains unclear.

Labcorp Genetics (formerly Invitae), Labcorp
Classification: Uncertain significance for Dilated cardiomyopathy 1DD. Last evaluated: 2023-10-24. Review status: criteria provided, single submitter. Criteria: Invitae Variant Classification Sherloc (09022015). Collection method: clinical testing. Allele origin: germline.
Comment: This sequence change replaces alanine, which is neutral and non-polar, with valine, which is neutral and non-polar, at codon 608 of the RBM20 protein (p.Ala608Val). This variant is not present in population databases (gnomAD no frequency). This variant has not been reported in the literature in individuals affected with RBM20-related conditions. ClinVar contains an entry for this variant (Variation ID: 999170). Advanced modeling of protein sequence and biophysical properties (such as structural, functional, and spatial information, amino acid conservation, physicochemical variation, residue mobility, and thermodynamic stability) has been performed at Invitae for this missense variant, however the output from this modeling did not meet the statistical confidence thresholds required to predict the impact of this variant on RBM20 protein function. In summary, the available evidence is currently insufficient to determine the role of this variant in disease. Therefore, it has been classified as a Variant of Uncertain Significance.

Fulgent Genetics
Classification: Uncertain significance for Dilated cardiomyopathy 1DD. Last evaluated: 2022-02-04. Review status: criteria provided, single submitter. Criteria: ACMG Guidelines, 2015. Collection method: clinical testing. Allele origin: unknown.

NM_001134363.3(RBM20):c.1823C>T (p.Ala608Val)

Gene: RBM20 (RNA binding motif protein 20; plus strand). Cytogenetic location: 10q25.2.
Variant type: single nucleotide variant.
Coding change: c.1823C>T on transcript NM_001134363.3 (MANE Select); coding-DNA position 1823, C replaced by T.
Protein change: p.Ala608Val; replaces alanine 608 with valine.
Molecular consequence: missense variant.
Genome position (GRCh38, 1-based): chr10:110,810,405, C>T. VCF-style: chr10-110810405-C-T. GRCh37 (hg19) VCF-style: chr10-112570163-C-T.
Other names: c.1823C>T (NM_001134363.1); short protein forms A608V.
Identifiers: ClinVar variation 999170 (VCV000999170.10), dbSNP rs1844749476, ClinGen allele CA378369045.
Genomic context (GRCh38, chr10:110,810,405, plus strand): 5'-CATCTCTGATCTGATGGTGATCTCTCTGACTTTGCTAGAAACCCGGGAAGGCCGTGGCTG[C>T]CATCATCCAGGACATCCATTCCCAGAGGGAGAGGGACATGTTCCGGGAAGCAGACAGGTG-3'
Protein context (NP_001127835.2, residues 598-618): QLKKPGKAVA[Ala608Val]IIQDIHSQRE